The following is an entry in ClinVar:

ClinVar aggregate classification (germline): Conflicting classifications of pathogenicity. Review status: criteria provided, conflicting classifications (1 of 4 stars). 4 submissions from 4 submitters: Uncertain significance (3); Benign (1). Last evaluated 2025-07-03.

Conditions:
Familial prostate cancer. Also called: Hereditary Prostate Cancer. Identifiers: MedGen C2931456, MONDO:0700275, OMIM 176807.
Familial cancer of breast. Also called: hereditary breast carcinoma; BREAST CANCER, FAMILIAL; Hereditary breast cancer. Identifiers: Orphanet 227535, MedGen C0346153, MONDO:0016419, OMIM 114480. Disease mechanism: loss of function.
Breast-ovarian cancer, familial, susceptibility to, 2 (BROVCA2). Also called: BRCA2 Hereditary Breast and Ovarian Cancer. Identifiers: Orphanet 145, MedGen C2675520, MONDO:0012933, OMIM 612555. Disease mechanism: loss of function.
Medulloblastoma (MDB). Also called: Medulloblastoma, somatic; MEDULLOBLASTOMA PREDISPOSITION SYNDROME. Identifiers: Orphanet 616, MedGen C0025149, MeSH D008527, MONDO:0007959, OMIM 155255, HP:0002885.
Wilms tumor 1 (WT1). Also called: Wilms tumor, somatic. Identifiers: Orphanet 654, MedGen CN033288, MONDO:0008679, OMIM 194070.
Pancreatic cancer, susceptibility to, 2. Identifiers: Orphanet 1333, MedGen C3150546, MONDO:0013235, OMIM 613347.
Glioma susceptibility 3 (GLM3). Also called: Glioblastoma 3. Identifiers: Orphanet 182067, Orphanet 360, MedGen C2751641, MONDO:0013093, OMIM 613029.
Fanconi anemia complementation group D1. Also called: BRCA2-Related Fanconi Anemia. Identifiers: Orphanet 319462, MedGen C1838457, MONDO:0011584, OMIM 605724.
Hereditary cancer-predisposing syndrome. Also called: Hereditary Cancer Syndrome; Tumor predisposition; Neoplastic Syndromes, Hereditary; Hereditary neoplastic syndrome. Identifiers: Orphanet 140162, MedGen C0027672, MeSH D009386, MONDO:0015356.
Hereditary breast ovarian cancer syndrome. Also called: Breast and ovarian cancer; Hereditary breast and ovarian cancer syndrome; BRCA1- and BRCA2-Associated Hereditary Breast and Ovarian Cancer; Hereditary breast and ovarian cancer syndrome (HBOC); Hereditary breast and/or ovarian cancer syndrome; Hereditary breast and ovarian cancer. Identifiers: Orphanet 145, MedGen C0677776, MeSH D061325, MONDO:0003582. Disease mechanism: loss of function.

Submissions (4):

Color Diagnostics, LLC DBA Color Health
Classification: Uncertain significance for Hereditary cancer-predisposing syndrome. Last evaluated: 2025-07-03. Review status: criteria provided, single submitter. Criteria: ACMG Guidelines, 2015. Collection method: clinical testing. Allele origin: germline.
Comment: This missense variant replaces glutamic acid with lysine at codon 2959 of the BRCA2 protein. Computational prediction suggests that this variant may not impact protein structure and function. Functional studies has reported that this variant does not impact BRCA2 function in a haploid cell proliferation assay and in sensitivity assays to cisplatin and PARP inhibitor (PMID: 39779848, 39779857). To our knowledge, this variant has not been reported in individuals affected with BRCA2-related disorders in the literature. This variant has not been identified in the general population by the Genome Aggregation Database (gnomAD). The available evidence is insufficient to determine the role of this variant in disease conclusively. Therefore, this variant is classified as a Variant of Uncertain Significance.

Ambry Genetics
Classification: Benign for Hereditary cancer-predisposing syndrome. Last evaluated: 2025-05-22. Review status: criteria provided, single submitter. Criteria: Ambry Variant Classification Scheme 2023. Collection method: clinical testing. Allele origin: germline.

Fulgent Genetics
Classification: Uncertain significance for Familial cancer of breast; Medulloblastoma; Familial prostate cancer; Wilms tumor 1; Fanconi anemia complementation group D1; Breast-ovarian cancer, familial, susceptibility to, 2; Glioma susceptibility 3; Pancreatic cancer, susceptibility to, 2. Last evaluated: 2024-03-09. Review status: criteria provided, single submitter. Criteria: ACMG Guidelines, 2015. Collection method: clinical testing. Allele origin: germline.

Labcorp Genetics (formerly Invitae), Labcorp
Classification: Uncertain significance for Hereditary breast ovarian cancer syndrome. Last evaluated: 2021-12-09. Review status: criteria provided, single submitter. Criteria: Invitae Variant Classification Sherloc (09022015). Collection method: clinical testing. Allele origin: germline.
Comment: This sequence change replaces glutamic acid, which is acidic and polar, with lysine, which is basic and polar, at codon 2959 of the BRCA2 protein (p.Glu2959Lys). This variant is not present in population databases (gnomAD no frequency). This variant has not been reported in the literature in individuals affected with BRCA2-related conditions. ClinVar contains an entry for this variant (Variation ID: 409435). Advanced modeling of protein sequence and biophysical properties (such as structural, functional, and spatial information, amino acid conservation, physicochemical variation, residue mobility, and thermodynamic stability) performed at Invitae indicates that this missense variant is not expected to disrupt BRCA2 protein function. In summary, the available evidence is currently insufficient to determine the role of this variant in disease. Therefore, it has been classified as a Variant of Uncertain Significance.

Literature cited by the submitters: PubMed 39779848 (cited by Color Diagnostics, LLC DBA Color Health); PubMed 39779857 (cited by Color Diagnostics, LLC DBA Color Health).

NM_000059.4(BRCA2):c.8875G>A (p.Glu2959Lys)

Gene: BRCA2 (BRCA2 DNA repair associated; plus strand). Cytogenetic location: 13q13.1.
Variant type: single nucleotide variant.
Coding change: c.8875G>A on transcript NM_000059.4 (MANE Select); coding-DNA position 8875, G replaced by A.
Protein change: p.Glu2959Lys; replaces glutamic acid 2959 with lysine.
Molecular consequence: missense variant.
Genome position (GRCh38, 1-based): chr13:32,379,437, G>A. VCF-style: chr13-32379437-G-A. GRCh37 (hg19) VCF-style: chr13-32953574-G-A.
Other names: short protein forms E2959K.
Identifiers: ClinVar variation 409435 (VCV000409435.17), dbSNP rs786202920, ClinGen allele CA16614376.
Genomic context (GRCh38, chr13:32,379,437, plus strand): 5'-AAGAAACAAGCTCAGATCCAGTTGGAAATTAGGAAGGCCATGGAATCTGCTGAACAAAAG[G>A]AACAAGGTTTATCAAGGGATGTCACAACCGTGTGGAAGTTGCGTATTGTAAGCTATTCAA-3'
Protein context (NP_000050.3, residues 2949-2969): RKAMESAEQK[Glu2959Lys]QGLSRDVTTV